The following is an entry in ClinVar:

NM_000135.4(FANCA):c.119C>G (p.Ala40Gly)

Gene: FANCA (FA complementation group A; minus strand). Cytogenetic location: 16q24.3.
Variant type: single nucleotide variant.
Coding change: c.119C>G on transcript NM_000135.4 (MANE Select); coding-DNA position 119, C replaced by G.
Protein change: p.Ala40Gly; replaces alanine 40 with glycine.
Molecular consequence: missense variant.
Genome position (GRCh38, 1-based): chr16:89,815,947, G>C on the plus strand (C>G on the coding strand, the complement: FANCA is on the minus strand). VCF-style: chr16-89815947-G-C. GRCh37 (hg19) VCF-style: chr16-89882355-G-C.
Other names: c.119C>G, p.Ala40Gly (NM_001018112.3, NM_001286167.3, NM_001351830.2); short protein forms A40G.
Identifiers: ClinVar variation 4022342 (VCV004022342.1).

ClinVar aggregate classification (germline): Uncertain significance (1 of 4 stars; one submission).

Conditions:
Inborn genetic diseases. Identifiers: MedGen C0950123, MeSH D030342.

Submission:

Ambry Genetics
Classification: Uncertain significance for Inborn genetic diseases. Last evaluated: 2025-05-31. Review status: criteria provided, single submitter. Criteria: Ambry Variant Classification Scheme 2023. Collection method: clinical testing. Allele origin: germline.
Comment: The p.A40G variant (also known as c.119C>G), located in coding exon 2 of the FANCA gene, results from a C to G substitution at nucleotide position 119. The alanine at codon 40 is replaced by glycine, an amino acid with similar properties. This amino acid position is conserved. In addition, this alteration is predicted to be tolerated by in silico analysis. Based on the available evidence, the clinical significance of this variant remains unclear.